The following is an entry in ClinVar:

NM_004606.5(TAF1):c.3986A>G (p.Gln1329Arg)

Gene: TAF1 (TATA-box binding protein associated factor 1; plus strand). Cytogenetic location: Xq13.1.
Variant type: single nucleotide variant.
Coding change: c.3986A>G on transcript NM_004606.5 (MANE Select); coding-DNA position 3986, A replaced by G.
Protein change: p.Gln1329Arg; replaces glutamine 1329 with arginine.
Molecular consequence: missense variant. On other transcripts: non-coding transcript variant (9).
Genome position (GRCh38, 1-based): chrX:71,401,727, A>G. VCF-style: chrX-71401727-A-G. GRCh37 (hg19) VCF-style: chrX-70621577-A-G.
Other names: c.3986A>G, p.Gln1329Arg (NM_001286074.2, NM_001440852.1, NM_001440853.1); c.3923A>G, p.Gln1308Arg (NM_001440854.1, NM_138923.4); short protein forms Q1308R, Q1329R.
Identifiers: ClinVar variation 5037101 (VCV005037101.1).

ClinVar aggregate classification (germline): Uncertain significance (1 of 4 stars; one submission).

Submission:

GeneDx
Classification: Uncertain significance. Last evaluated: 2026-04-13. Review status: criteria provided, single submitter. Criteria: GeneDx Variant Classification Process June 2021. Collection method: clinical testing. Allele origin: germline.
Comment: Has not been previously published as pathogenic or benign to our knowledge; Not observed at significant frequency in large population cohorts (gnomAD); In silico analysis suggests that this missense variant does not alter protein structure/function